The following is an entry in ClinVar:

NM_000257.4(MYH7):c.5510T>C (p.Val1837Ala)

Gene: MYH7 (myosin heavy chain 7; minus strand). Cytogenetic location: 14q11.2.
Variant type: single nucleotide variant.
Coding change: c.5510T>C on transcript NM_000257.4 (MANE Select); coding-DNA position 5510, T replaced by C.
Protein change: p.Val1837Ala; replaces valine 1837 with alanine.
Molecular consequence: missense variant.
Genome position (GRCh38, 1-based): chr14:23,415,044, A>G on the plus strand (T>C on the coding strand, the complement: MYH7 is on the minus strand). VCF-style: chr14-23415044-A-G. GRCh37 (hg19) VCF-style: chr14-23884253-A-G.
Other names: c.5510T>C, p.Val1837Ala (NM_001407004.1); short protein forms V1837A.
Identifiers: ClinVar variation 3070062 (VCV003070062.2), dbSNP rs1672781310, ClinGen allele CA389035101.

ClinVar aggregate classification (germline): Uncertain significance. Review status: criteria provided, multiple submitters, no conflicts (2 of 4 stars). 2 submissions from 2 submitters: Uncertain significance (2). Last evaluated 2025-07-30.

Conditions:
Cardiomyopathy (CMYO). Also called: Cardiomyopathies. Identifiers: Orphanet 167848, MedGen C0878544, MONDO:0004994, HP:0001638. Inheritance: Various modes of inheritance.

Allele frequency attached by ClinVar (database versions not stated): gnomAD exomes below 0.00001.
gnomAD v4.1: 1 of 1,612,278 alleles (0.000062%); highest among the groups gnomAD compares: East Asian, 0.0022%; no homozygotes.

Submissions (2):

GeneDx
Classification: Uncertain significance. Last evaluated: 2025-07-30. Review status: criteria provided, single submitter. Criteria: GeneDx Variant Classification Process June 2021. Collection method: clinical testing. Allele origin: germline. Affected: yes.
Comment: Not observed at significant frequency in large population cohorts (gnomAD); In silico analysis suggests that this missense variant does not alter protein structure/function; Has not been previously published as pathogenic or benign to our knowledge

All of Us Research Program, National Institutes of Health
Classification: Uncertain significance for Cardiomyopathy. Last evaluated: 2023-04-03. Review status: criteria provided, single submitter. Criteria: ACMG Guidelines, 2015. Collection method: clinical testing. Allele origin: germline. Inheritance: Autosomal dominant inheritance. Observed: 1 variant allele, 1 heterozygote.
Comment: This missense variant replaces valine with alanine at codon 1837 of the MYH7 protein. Computational prediction suggests that this variant may not impact protein structure and function (internally defined REVEL score threshold <= 0.5, PMID: 27666373). To our knowledge, functional studies have not been reported for this variant. This variant has not been reported in individuals affected with MYH7-related disorders in the literature. This variant has not been identified in the general population by the Genome Aggregation Database (gnomAD). The available evidence is insufficient to determine the role of this variant in disease conclusively. Therefore, this variant is classified as a Variant of Uncertain Significance.

This study involves interpretation of variants in research participants for the purpose of population health screening. Participant phenotype was not available at the time of variant classification. Additional details can be found in publication PMID: 35346344, PMCID: PMC8962531